The following is an entry in ClinVar:

ClinVar aggregate classification (germline): Benign/Likely benign. Review status: criteria provided, multiple submitters, no conflicts (2 of 4 stars). 3 submissions from 3 submitters: Benign (2); Likely benign (1). Last evaluated 2025-10-18.

Allele frequency attached by ClinVar (database versions not stated): gnomAD below 0.00001; TOPMed 0.00002; 1000 Genomes Project 0.00040; 1000 Genomes Project 30x 0.00047; ExAC 0.00067.
gnomAD v4.1: 237 of 1,603,882 alleles (0.015%); highest among the groups gnomAD compares: South Asian, 0.25%; 2 homozygotes.

Submissions (3):

Labcorp Genetics (formerly Invitae), Labcorp
Classification: Benign. Last evaluated: 2025-10-18. Review status: criteria provided, single submitter. Criteria: Invitae Variant Classification Sherloc (09022015). Collection method: clinical testing. Allele origin: germline.

Blueprint Genetics
Classification: Likely benign. Last evaluated: 2024-10-18. Review status: criteria provided, single submitter. Criteria: ACMG Guidelines, 2015. Collection method: clinical testing. Allele origin: germline.

GeneDx
Classification: Benign. Last evaluated: 2015-03-13. Review status: criteria provided, single submitter. Criteria: GeneDx Variant Classification (06012015). Collection method: clinical testing. Allele origin: germline. Affected: yes.
Comment: This variant is considered likely benign or benign based on one or more of the following criteria: it is a conservative change, it occurs at a poorly conserved position in the protein, it is predicted to be benign by multiple in silico algorithms, and/or has population frequency not consistent with disease.

NM_020247.5(COQ8A):c.1020C>A (p.Ser340=)

Gene: COQ8A (coenzyme Q8A; plus strand). Cytogenetic location: 1q42.13.
Variant type: single nucleotide variant.
Coding change: c.1020C>A on transcript NM_020247.5 (MANE Select); coding-DNA position 1020, C replaced by A.
Protein change: p.Ser340=; no amino-acid change (serine 340 retained).
Molecular consequence: synonymous variant.
Genome position (GRCh38, 1-based): chr1:226,982,974, C>A. VCF-style: chr1-226982974-C-A. GRCh37 (hg19) VCF-style: chr1-227170675-C-A.
Identifiers: ClinVar variation 377444 (VCV000377444.7), dbSNP rs181558991, ClinGen allele CA1425271.